The following is an entry in ClinVar:

NM_178526.5(SLC25A42):c.681C>A (p.Phe227Leu)

Genes: SLC25A42 (solute carrier family 25 member 42; plus strand), LOC130064046 (ATAC-STARR-seq lymphoblastoid silent region 10431; plus strand). Cytogenetic location: 19p13.11.
Variant type: single nucleotide variant.
Coding change: c.681C>A on transcript NM_178526.5 (MANE Select); coding-DNA position 681, C replaced by A.
Protein change: p.Phe227Leu; replaces phenylalanine 227 with leucine.
Molecular consequence: missense variant.
Genome position (GRCh38, 1-based): chr19:19,110,600, C>A. VCF-style: chr19-19110600-C-A. GRCh37 (hg19) VCF-style: chr19-19221409-C-A.
Other names: c.681C>A, p.Phe227Leu (NM_001321544.2); short protein forms F227L.
Identifiers: ClinVar variation 4766737 (VCV004766737.1).

ClinVar aggregate classification (germline): Uncertain significance (1 of 4 stars; one submission).

gnomAD v4.1: 3 of 1,485,498 alleles (0.0002%); highest among the groups gnomAD compares: Admixed American, 0.0047%; no homozygotes.

Submission:

Labcorp Genetics (formerly Invitae), Labcorp
Classification: Uncertain significance. Last evaluated: 2026-01-06. Review status: criteria provided, single submitter. Criteria: Invitae Variant Classification Sherloc (09022015). Collection method: clinical testing. Allele origin: germline.
Comment: This sequence change replaces phenylalanine, which is neutral and non-polar, with leucine, which is neutral and non-polar, at codon 227 of the SLC25A42 protein (p.Phe227Leu). This variant is not present in population databases (gnomAD no frequency). This variant has not been reported in the literature in individuals affected with SLC25A42-related conditions. Invitae Evidence Modeling of protein sequence and biophysical properties (such as structural, functional, and spatial information, amino acid conservation, physicochemical variation, residue mobility, and thermodynamic stability) indicates that this missense variant is not expected to disrupt SLC25A42 protein function with a negative predictive value of 80%. In summary, the available evidence is currently insufficient to determine the role of this variant in disease. Therefore, it has been classified as a Variant of Uncertain Significance.